The following is an entry in ClinVar:

ClinVar aggregate classification (germline): Uncertain significance (1 of 4 stars; one submission).

Conditions:
Peroxisome biogenesis disorder 2B (PBD2B). Identifiers: Orphanet 44, MedGen C3550234, MONDO:0008736, OMIM 202370.

Allele frequency attached by ClinVar (database versions not stated): ExAC 0.00001.

Submission:

Labcorp Genetics (formerly Invitae), Labcorp
Classification: Uncertain significance for Peroxisome biogenesis disorder 2B. Last evaluated: 2021-12-08. Review status: criteria provided, single submitter. Criteria: Invitae Variant Classification Sherloc (09022015). Collection method: clinical testing. Allele origin: germline.
Comment: This sequence change replaces threonine, which is neutral and polar, with alanine, which is neutral and non-polar, at codon 81 of the PEX5 protein (p.Thr81Ala). This variant is present in population databases (rs769373976, gnomAD 0.0009%). This variant has not been reported in the literature in individuals affected with PEX5-related conditions. Algorithms developed to predict the effect of missense changes on protein structure and function are either unavailable or do not agree on the potential impact of this missense change (SIFT: "Tolerated"; PolyPhen-2: "Possibly Damaging"; Align-GVGD: "Class C0"). In summary, the available evidence is currently insufficient to determine the role of this variant in disease. Therefore, it has been classified as a Variant of Uncertain Significance.

NM_001351132.2(PEX5):c.241A>G (p.Thr81Ala)

Gene: PEX5 (peroxisomal biogenesis factor 5; plus strand). Cytogenetic location: 12p13.31.
Variant type: single nucleotide variant.
Coding change: c.241A>G on transcript NM_001351132.2 (MANE Select); coding-DNA position 241, A replaced by G.
Protein change: p.Thr81Ala; replaces threonine 81 with alanine.
Molecular consequence: missense variant.
Genome position (GRCh38, 1-based): chr12:7,191,283, A>G. VCF-style: chr12-7191283-A-G. GRCh37 (hg19) VCF-style: chr12-7343879-A-G.
Other names: c.241A>G, p.Thr81Ala (NM_000319.5, NM_001131024.2, NM_001131025.2 and 19 more transcripts); c.286A>G, p.Thr96Ala (NM_001131023.2, NM_001351135.3, NM_001351138.2); short protein forms T81A, T96A.
Identifiers: ClinVar variation 1986104 (VCV001986104.1), dbSNP rs769373976, ClinGen allele CA6426070.
Genomic context (GRCh38, chr12:7,191,283, plus strand): 5'-CAGTTGGTGGCTGAATTCCTGCAGGACCAGAATGCACCCCTTGTGTCCCGTGCCCCTCAG[A>G]CCTTCAAGATGGATGACCTCCTGGCTGAGATGCAGCAGATTGAGCAGTCAAACTTCCGCC-3'
Protein context (NP_001338061.1, residues 71-91): NAPLVSRAPQ[Thr81Ala]FKMDDLLAEM